The following is an entry in ClinVar:

ClinVar aggregate classification (germline): Uncertain significance (1 of 4 stars; one submission).

Submission:

GeneDx
Classification: Uncertain significance. Last evaluated: 2024-07-01. Review status: criteria provided, single submitter. Criteria: GeneDx Variant Classification Process June 2021. Collection method: clinical testing. Allele origin: germline. Affected: yes.
Comment: Not observed at significant frequency in large population cohorts (gnomAD); In silico analysis indicates that this missense variant does not alter protein structure/function; Has not been previously published as pathogenic or benign to our knowledge

NM_000138.5(FBN1):c.667A>G (p.Met223Val)

Gene: FBN1 (fibrillin 1; minus strand). Cytogenetic location: 15q21.1.
Variant type: single nucleotide variant.
Coding change: c.667A>G on transcript NM_000138.5 (MANE Select); coding-DNA position 667, A replaced by G.
Protein change: p.Met223Val; replaces methionine 223 with valine.
Molecular consequence: missense variant.
Genome position (GRCh38, 1-based): chr15:48,537,680, T>C on the plus strand (A>G on the coding strand, the complement: FBN1 is on the minus strand). VCF-style: chr15-48537680-T-C. GRCh37 (hg19) VCF-style: chr15-48829877-T-C.
Other names: c.667A>G, p.Met223Val (NM_001406716.1, NM_001406717.1); short protein forms M223V.
Identifiers: ClinVar variation 3393650 (VCV003393650.1).
Genomic context (GRCh38, chr15:48,537,680, plus strand): 5'-CTCCCGTGCGGATATTTGGAATGAAGCCACGGCGGCAGGGGTGAGGCTGGGCAGGACACA[T>C]CTCACAGGGGTGGCCCCAGGCTCGGCCGACTGTGGCACAGCAGAGCGTTTTTGTGCAGAC-3'
Protein context (NP_000129.3, residues 213-233): VGRAWGHPCE[Met223Val]CPAQPHPCRR